The following is an entry in ClinVar:

ClinVar aggregate classification (germline): Uncertain significance (1 of 4 stars; one submission).

Allele frequency attached by ClinVar (database versions not stated): gnomAD 0.00001; ExAC 0.00003; gnomAD exomes 0.00002.
gnomAD v4.1: 24 of 1,613,420 alleles (0.0015%); highest among the groups gnomAD compares: Non-Finnish European, 0.0019%; no homozygotes.

Submission:

Labcorp Genetics (formerly Invitae), Labcorp
Classification: Uncertain significance. Last evaluated: 2021-09-05. Review status: criteria provided, single submitter. Criteria: Invitae Variant Classification Sherloc (09022015). Collection method: clinical testing. Allele origin: germline.
Comment: This sequence change replaces tyrosine with histidine at codon 537 of the RTTN protein (p.Tyr537His). The tyrosine residue is highly conserved and there is a moderate physicochemical difference between tyrosine and histidine. This variant is present in population databases (rs776988696, ExAC 0.009%). This variant has not been reported in the literature in individuals affected with RTTN-related conditions. Algorithms developed to predict the effect of missense changes on protein structure and function are either unavailable or do not agree on the potential impact of this missense change (SIFT: "Deleterious"; PolyPhen-2: "Possibly Damaging"; Align-GVGD: "Class C0"). In summary, the available evidence is currently insufficient to determine the role of this variant in disease. Therefore, it has been classified as a Variant of Uncertain Significance.

NM_173630.4(RTTN):c.1609T>C (p.Tyr537His)

Gene: RTTN (rotatin; minus strand). Cytogenetic location: 18q22.2.
Variant type: single nucleotide variant.
Coding change: c.1609T>C on transcript NM_173630.4 (MANE Select); coding-DNA position 1609, T replaced by C.
Protein change: p.Tyr537His; replaces tyrosine 537 with histidine.
Molecular consequence: missense variant. On other transcripts: 5 prime UTR variant (1).
Genome position (GRCh38, 1-based): chr18:70,168,935, A>G on the plus strand (T>C on the coding strand, the complement: RTTN is on the minus strand). VCF-style: chr18-70168935-A-G. GRCh37 (hg19) VCF-style: chr18-67836171-A-G.
Other names: c.-1039T>C (NM_001318520.2); short protein forms Y537H.
Identifiers: ClinVar variation 1407318 (VCV001407318.3), dbSNP rs776988696, ClinGen allele CA8996137.